The following is an entry in ClinVar:

NM_024580.6(EFL1):c.1491G>C (p.Gln497His)

Gene: EFL1 (elongation factor like GTPase 1; minus strand). Cytogenetic location: 15q25.2.
Variant type: single nucleotide variant.
Coding change: c.1491G>C on transcript NM_024580.6 (MANE Select); coding-DNA position 1491, G replaced by C.
Protein change: p.Gln497His; replaces glutamine 497 with histidine.
Molecular consequence: missense variant. On other transcripts: non-coding transcript variant (1).
Genome position (GRCh38, 1-based): chr15:82,219,772, C>G on the plus strand (G>C on the coding strand, the complement: EFL1 is on the minus strand). VCF-style: chr15-82219772-C-G. GRCh37 (hg19) VCF-style: chr15-82512113-C-G.
Other names: c.1338G>C, p.Gln446His (NM_001040610.3); c.702G>C, p.Gln234His (NM_001322844.2); c.1491G>C, p.Gln497His (NM_001322845.2); short protein forms Q446H, Q497H, Q234H.
Identifiers: ClinVar variation 1394126 (VCV001394126.6), dbSNP rs2074689448, ClinGen allele CA393284498.

ClinVar aggregate classification (germline): Uncertain significance (1 of 4 stars; one submission).

Allele frequency attached by ClinVar (database versions not stated): TOPMed below 0.00001.

Submission:

Labcorp Genetics (formerly Invitae), Labcorp
Classification: Uncertain significance. Last evaluated: 2021-11-19. Review status: criteria provided, single submitter. Criteria: Invitae Variant Classification Sherloc (09022015). Collection method: clinical testing. Allele origin: germline.
Comment: This sequence change replaces glutamine, which is neutral and polar, with histidine, which is basic and polar, at codon 497 of the EFL1 protein (p.Gln497His). This variant is not present in population databases (gnomAD no frequency). In summary, the available evidence is currently insufficient to determine the role of this variant in disease. Therefore, it has been classified as a Variant of Uncertain Significance. Algorithms developed to predict the effect of missense changes on protein structure and function are either unavailable or do not agree on the potential impact of this missense change (SIFT: "Deleterious"; PolyPhen-2: "Benign"; Align-GVGD: "Class C0"). This variant has not been reported in the literature in individuals affected with EFL1-related conditions.